The following is an entry in ClinVar:

NM_000059.4(BRCA2):c.6467C>T (p.Ser2156Phe)

Gene: BRCA2 (BRCA2 DNA repair associated; plus strand). Cytogenetic location: 13q13.1.
Variant type: single nucleotide variant.
Coding change: c.6467C>T on transcript NM_000059.4 (MANE Select); coding-DNA position 6467, C replaced by T.
Protein change: p.Ser2156Phe; replaces serine 2156 with phenylalanine.
Molecular consequence: missense variant.
Genome position (GRCh38, 1-based): chr13:32,340,822, C>T. VCF-style: chr13-32340822-C-T. GRCh37 (hg19) VCF-style: chr13-32914959-C-T.
Other names: short protein forms S2156F.
Identifiers: ClinVar variation 186342 (VCV000186342.54), dbSNP rs765575482, ClinGen allele CA024085.

ClinVar aggregate classification (germline): Conflicting classifications of pathogenicity. Review status: criteria provided, conflicting classifications (1 of 4 stars). 9 submissions from 9 submitters: Uncertain significance (6); Likely benign (2). 1 of the submissions does not count toward it. Last evaluated 2025-09-17.

Conditions:
Hereditary cancer-predisposing syndrome. Also called: Tumor predisposition; Neoplastic Syndromes, Hereditary; Hereditary Cancer Syndrome; Hereditary neoplastic syndrome. Identifiers: Orphanet 140162, MedGen C0027672, MeSH D009386, MONDO:0015356.
Hereditary breast ovarian cancer syndrome. Also called: Hereditary breast and ovarian cancer; Hereditary breast and ovarian cancer syndrome (HBOC); Breast and ovarian cancer; Hereditary breast and/or ovarian cancer syndrome; BRCA1- and BRCA2-Associated Hereditary Breast and Ovarian Cancer; Hereditary breast and ovarian cancer syndrome. Identifiers: Orphanet 145, MedGen C0677776, MeSH D061325, MONDO:0003582. Disease mechanism: loss of function.
Breast-ovarian cancer, familial, susceptibility to, 2 (BROVCA2). Also called: BRCA2 Hereditary Breast and Ovarian Cancer. Identifiers: Orphanet 145, MedGen C2675520, MONDO:0012933, OMIM 612555. Disease mechanism: loss of function.
Familial cancer of breast. Also called: hereditary breast carcinoma; BREAST CANCER, FAMILIAL; Hereditary breast cancer. Identifiers: Orphanet 227535, MedGen C0346153, MONDO:0016419, OMIM 114480. Disease mechanism: loss of function.

Allele frequency attached by ClinVar (database versions not stated): gnomAD exomes below 0.00001 and 0.00001; TOPMed below 0.00001; ExAC 0.00002.
gnomAD v4.1: 1 of 1,589,774 alleles (0.000063%); highest among the groups gnomAD compares: Non-Finnish European, 0.000085%; no homozygotes.

Submissions (9):

Ambry Genetics
Classification: Uncertain significance for Hereditary cancer-predisposing syndrome. Last evaluated: 2025-09-17. Review status: criteria provided, single submitter. Criteria: Ambry Variant Classification Scheme 2023. Collection method: clinical testing. Allele origin: germline.
Comment: The p.S2156F variant (also known as c.6467C>T), located in coding exon 10 of the BRCA2 gene, results from a C to T substitution at nucleotide position 6467. The serine at codon 2156 is replaced by phenylalanine, an amino acid with highly dissimilar properties. In one study, this alteration was detected in a cohort of 418 Brazilian probands who met NCCN genetic testing criteria for hereditary breast and/or ovarian cancer syndrome (Alemar B et al. PLoS ONE, 2017 Nov;12:e0187630). This amino acid position is not well conserved in available vertebrate species. In addition, the in silico prediction for this alteration is inconclusive. Since supporting evidence is limited at this time, the clinical significance of this alteration remains unclear.

Labcorp Genetics (formerly Invitae), Labcorp
Classification: Uncertain significance for Hereditary breast ovarian cancer syndrome. Last evaluated: 2024-12-12. Review status: criteria provided, single submitter. Criteria: Invitae Variant Classification Sherloc (09022015). Collection method: clinical testing. Allele origin: germline.
Comment: This sequence change replaces serine, which is neutral and polar, with phenylalanine, which is neutral and non-polar, at codon 2156 of the BRCA2 protein (p.Ser2156Phe). This variant is present in population databases (rs765575482, gnomAD 0.003%). This missense change has been observed in individual(s) with a personal and/or family history of breast and/or ovarian cancer (PMID: 29161300). ClinVar contains an entry for this variant (Variation ID: 186342). Invitae Evidence Modeling of protein sequence and biophysical properties (such as structural, functional, and spatial information, amino acid conservation, physicochemical variation, residue mobility, and thermodynamic stability) indicates that this missense variant is not expected to disrupt BRCA2 protein function with a negative predictive value of 95%. In summary, the available evidence is currently insufficient to determine the role of this variant in disease. Therefore, it has been classified as a Variant of Uncertain Significance.

MGZ Medical Genetics Center
Classification: Likely benign for Familial cancer of breast. Last evaluated: 2024-02-09. Review status: criteria provided, single submitter. Criteria: CSpec BRCA1/2ACMG Rules Specifications V1.1.0. Collection method: clinical testing. Allele origin: germline. Affected: yes.
Comment: ACMG codes applied following ENIGMA VCEP rules: BP1_STR

University of Washington Department of Laboratory Medicine, University of Washington
Classification: Likely benign for Hereditary cancer-predisposing syndrome. Last evaluated: 2023-03-23. Review status: criteria provided, single submitter. Criteria: Dines et al. (Genet Med. 2020). Collection method: curation. Allele origin: germline.
Comment: Missense variant in a coldspot region where missense variants are very unlikely to be pathogenic (PMID:31911673).

BRCA2 exon 11 coldspot. Reclassification based on statistical prior probability.

Color Diagnostics, LLC DBA Color Health
Classification: Uncertain significance for Hereditary cancer-predisposing syndrome. Last evaluated: 2022-05-16. Review status: criteria provided, single submitter. Criteria: ACMG Guidelines, 2015. Collection method: clinical testing. Allele origin: germline.
Comment: This missense variant replaces serine with phenylalanine at codon 2156 of the BRCA2 protein. Computational prediction suggests that this variant may not impact protein structure and function (internally defined REVEL score threshold <= 0.5, PMID: 27666373). To our knowledge, functional studies have not been reported for this variant. This variant been reported in 1 individual affected with breast cancer and 1 individual with a personal or family history of BRCA2-associated cancers (PMID: 29161300, 33471991; Leiden Open Variation Database DB-ID). This variant has been identified in 3/228812 chromosomes in the general population by the Genome Aggregation Database (gnomAD). The available evidence is insufficient to determine the role of this variant in disease conclusively. Therefore, this variant is classified as a Variant of Uncertain Significance.

Institute for Clinical Genetics, University Hospital TU Dresden, University Hospital TU Dresden
Classification: Uncertain significance. Last evaluated: 2021-11-03. Review status: criteria provided, single submitter. Criteria: ACMG Guidelines, 2015. Collection method: clinical testing. Allele origin: germline.

CeGaT Center for Human Genetics Tuebingen
Classification: Uncertain significance. Last evaluated: 2021-08-01. Review status: criteria provided, single submitter. Criteria: CeGaT Center For Human Genetics Tuebingen Variant Classification Criteria Version 2. Collection method: clinical testing. Allele origin: germline. Affected: yes. Observed: 1 variant allele.

Women's Health and Genetics/Laboratory Corporation of America, LabCorp
Classification: Uncertain significance. Last evaluated: 2020-11-02. Review status: criteria provided, single submitter. Criteria: LabCorp Variant Classification Summary - May 2015. Collection method: clinical testing. Allele origin: germline.
Comment: Variant summary: BRCA2 c.6467C>T (p.Ser2156Phe) results in a non-conservative amino acid change in the encoded protein sequence. Three of five in-silico tools predict a benign effect of the variant on protein function. The variant allele was found at a frequency of 1.3e-05 in 228812 control chromosomes. The available data on variant occurrences in the general population are insufficient to allow any conclusion about variant significance. c.6467C>T has been reported in the literature in a study of individuals fulfilling the NCCN HBOC testing criteria (Hereditary Breast And Ovarian Cancer Syndrome, example, Alemar_2017). This report does not provide unequivocal conclusions about association of the variant with Hereditary Breast And Ovarian Cancer Syndrome. To our knowledge, no experimental evidence demonstrating an impact on protein function has been reported. Three clinical diagnostic laboratories have submitted clinical-significance assessments for this variant to ClinVar after 2014 without evidence for independent evaluation. All laboratories classified the variant as uncertain significance citing overlapping evidence utilized in the context of this evaluation. Based on the evidence outlined above, the variant was classified as uncertain significance.

Counsyl
Classification: Uncertain significance for Breast-ovarian cancer, familial, susceptibility to, 2. Last evaluated: 2018-04-05. Review status: no assertion criteria provided. Collection method: clinical testing. Allele origin: unknown. Not counted in ClinVar's aggregate classification.

Literature cited by the submitters: PubMed 29161300 (cited by 5 submitters); PubMed 33471991 (cited by Color Diagnostics, LLC DBA Color Health).